The following continues an entry in ClinVar:

NM_004004.6(GJB2):c.670A>C (p.Lys224Gln)

Gene: GJB2. ClinVar aggregate classification (germline): Uncertain significance. Uncertain significance (9).

Submissions 7 to 11 of 11:

ARUP Laboratories, Molecular Genetics and Genomics, ARUP Laboratories
Classification: Uncertain significance. Last evaluated: 2018-12-24. Review status: criteria provided, single submitter. Criteria: ARUP Molecular Germline Variant Investigation Process. Collection method: clinical testing. Allele origin: germline.
Comment: The GJB2 c.670A>C; p.Lys224Gln variant (rs111033194) is reported in the literature in individuals with hearing loss and in several normal-hearing controls (Antoniadi 2000, Matos 2011, Pandya 2003, Putcha 2007, Samanich 2007). This variant does not exhibit dominant inheritance (Antoniadi 2000), and, to our knowledge, it has not been reported in trans to another pathogenic variant in affected individuals (Antoniadi 2000, Pandya 2003, Putcha 2007, Samanich 2007). This variant is reported in ClinVar (Variation ID: 44765), and it is found in the general population with an overall allele frequency of 0.01% (36/279154 alleles) in the Genome Aggregation Database. The lysine at codon 224 is highly conserved, but computational analyses (SIFT, PolyPhen-2) predict that this variant is tolerated. Given the lack of clinical and functional data, the significance of the p.Lys224Gln variant is uncertain at this time. References: Antoniadi T et al. Mutation analysis of the GJB2 (connexin 26) gene by DGGE in Greek patients with sensorineural deafness. Hum Mutat. 2000;16(1):7-12. Matos TD et al. Assessing Noncoding Sequence Variants of GJB2 for Hearing Loss Association. Genet Res Int. 2011;2011:827469. Pandya A et al. Frequency and distribution of GJB2 (connexin 26) and GJB6 (connexin 30) mutations in a large North American repository of deaf probands. Genet Med. 2003 Jul-Aug;5(4):295-303. Putcha GV et al. A multicenter study of the frequency and distribution of GJB2 and GJB6 mutations in a large North American cohort. Genet Med. 2007 Jul;9(7):413-26. Samanich J et al. Mutations in GJB2, GJB6, and mitochondrial DNA are rare in African American and Caribbean Hispanic individuals with hearing impairment. Am J Med Genet A. 2007 Apr 15;143A(8):830-8.

Laboratory for Molecular Medicine, Mass General Brigham Personalized Medicine
Classification: Uncertain significance. Last evaluated: 2018-04-04. Review status: criteria provided, single submitter. Criteria: LMM Criteria. Collection method: clinical testing. Allele origin: germline. Observed: 7 variant alleles.
Comment: The p.Lys224Gln variant in GJB2 has been previously reported in 8 individuals wi th hearing loss (Antoniadi 2000, Pandya 2003, Samanich 2007, Kokotas 2010, Shan 2010, LMM data); however a variant affecting the remaining DFNB1 allele (GJB2 a nd GJB6 genes) was not identified in any of the individuals. This variant has be en identified in 27/124038 European chromosomes and in 5/34358 Latino chromosome s by the Genome Aggregation Database (gnomAD; dbSNP rs111033194), though, this frequency is not high enough to rule out a path ogenic role. Computational prediction tools and conservation analyses do not pro vide strong support for or against an impact to the protein. In summary, the cli nical significance of the p.Lys224Gln variant is uncertain. ACMG/AMP Criteria ap plied: None.

Athena Diagnostics
Classification: Uncertain significance. Last evaluated: 2018-03-23. Review status: criteria provided, single submitter. Criteria: Athena Diagnostics Criteria. Collection method: clinical testing. Allele origin: germline.

Natera, Inc.
Classification: Uncertain significance for Autosomal recessive deafness type 1A. Last evaluated: 2020-09-16. Review status: no assertion criteria provided. Collection method: clinical testing. Allele origin: germline. Not counted in ClinVar's aggregate classification.

Counsyl
Classification: Uncertain significance for Autosomal recessive nonsyndromic hearing loss 1A. Last evaluated: 2017-03-30. Review status: no assertion criteria provided. Collection method: clinical testing. Allele origin: unknown. Not counted in ClinVar's aggregate classification.

Literature cited by the submitters: PubMed 17444514 (cited by 3 submitters); PubMed 17366579 (cited by Women's Health and Genetics/Laboratory Corporation of America, LabCorp); PubMed 22567369 (cited by 4 submitters); PubMed 12865758 (cited by 4 submitters); PubMed 17666888 (cited by Women's Health and Genetics/Laboratory Corporation of America, LabCorp and Counsyl); PubMed 19230829 (cited by Women's Health and Genetics/Laboratory Corporation of America, LabCorp); PubMed 20381175 (cited by 4 submitters); PubMed 23695287 (cited by Women's Health and Genetics/Laboratory Corporation of America, LabCorp); PubMed 19081147 (cited by 3 submitters); PubMed 17357124 (cited by 4 submitters); PubMed 22016077 (cited by Women's Health and Genetics/Laboratory Corporation of America, LabCorp); PubMed 10874298 (cited by 4 submitters); PubMed 26542351 (cited by Women's Health and Genetics/Laboratory Corporation of America, LabCorp and Athena Diagnostics); PubMed 30245029 (cited by Women's Health and Genetics/Laboratory Corporation of America, LabCorp); PubMed 31620696 (cited by Women's Health and Genetics/Laboratory Corporation of America, LabCorp); PubMed 12172392 (cited by Laboratory for Molecular Medicine, Mass General Brigham Personalized Medicine); PubMed 16125251 (cited by Laboratory for Molecular Medicine, Mass General Brigham Personalized Medicine); PubMed 25262649 (cited by Laboratory for Molecular Medicine, Mass General Brigham Personalized Medicine and Athena Diagnostics); PubMed 20059378 (cited by Laboratory for Molecular Medicine, Mass General Brigham Personalized Medicine and Athena Diagnostics); PubMed 26990548 (cited by Laboratory for Molecular Medicine, Mass General Brigham Personalized Medicine); PubMed 25388846 (cited by Athena Diagnostics); PubMed 21844220 (cited by Athena Diagnostics).